The following is an entry in ClinVar:

NM_001029883.3(PCARE):c.2654_2655dup (p.Val886fs)

Gene: PCARE (photoreceptor cilium actin regulator; minus strand). Cytogenetic location: 2p23.2.
Variant type: Microsatellite.
Coding change: c.2654_2655dup on transcript NM_001029883.3 (MANE Select); coding-DNA positions 2654 to 2655, 2 bases duplicated (CT; older notation c.2654_2655dupCT).
Protein change: p.Val886fs; shifts the reading frame from valine 886.
Molecular consequence: frameshift variant.
Genome position (GRCh38, 1-based): chr2:29,071,607-29,071,608, AG duplicated on the plus strand (CT on the coding strand, the reverse complement: PCARE is on the minus strand); duplicating any 2 consecutive bases within chr2:29,071,607-29,071,610 gives the same sequence; the c. name uses the placement nearest the transcript's 3' end. VCF-style (leftmost placement, unchanged base first): chr2-29071606-C-CAG. GRCh37 (hg19) VCF-style: chr2-29294472-C-CAG.
Other names: short protein forms V886fs.
Identifiers: ClinVar variation 1440090 (VCV001440090.6), dbSNP rs2148415467, ClinGen allele CA2580611269.
Genomic context (GRCh38, chr2:29,071,606, plus strand): 5'-TGCTGTGAGGCTTGGTCAGGCTGGCGGTGCTCTTGCTGGGCAGCAAGTCCAGGGGGCTCA[C>CAG]AGAGGCCCTCAGCTTTGGGGAAGCCCATGTTCTCCTGGTGGGGCCAGCCTCTCCCGGCCC-3'

ClinVar aggregate classification (germline): Pathogenic (1 of 4 stars; one submission).

Submission:

Labcorp Genetics (formerly Invitae), Labcorp
Classification: Pathogenic. Last evaluated: 2023-10-03. Review status: criteria provided, single submitter. Criteria: Invitae Variant Classification Sherloc (09022015). Collection method: clinical testing. Allele origin: germline.
Comment: This sequence change creates a premature translational stop signal (p.Val886Leufs*2) in the PCARE gene. It is expected to result in an absent or disrupted protein product. Loss-of-function variants in PCARE are known to be pathogenic (PMID: 20398886, 24339724, 26496393). This variant is not present in population databases (gnomAD no frequency). This variant has not been reported in the literature in individuals affected with PCARE-related conditions. For these reasons, this variant has been classified as Pathogenic.

Literature cited by the submitters: PubMed 20398886; PubMed 24339724; PubMed 26496393.